The following is an entry in ClinVar:

NM_001365480.1(CCDC88A):c.3952_3956del (p.Gly1318fs)

Gene: CCDC88A (coiled-coil domain containing 88A; minus strand). Cytogenetic location: 2p16.1.
Variant type: Deletion.
Coding change: c.3952_3956del on transcript NM_001365480.1 (MANE Select); coding-DNA positions 3952 to 3956, 5 bases deleted (GGAAA; older notation c.3952_3956delGGAAA).
Protein change: p.Gly1318fs; shifts the reading frame from glycine 1318.
Molecular consequence: frameshift variant.
Genome position (GRCh38, 1-based): chr2:55,312,557-55,312,561, TTTCC deleted on the plus strand (GGAAA on the coding strand, the reverse complement: CCDC88A is on the minus strand); deleting any 5 consecutive bases within chr2:55,312,557-55,312,564 gives the same sequence; the c. name uses the placement nearest the transcript's 3' end. VCF-style (leftmost placement, unchanged base first): chr2-55312556-ATTTCC-A. GRCh37 (hg19) VCF-style: chr2-55539692-ATTTCC-A.
Other names: c.3949_3953del, p.Gly1317fs (NM_001135597.2, NM_001254943.2); c.3952_3956del, p.Gly1318fs (NM_018084.5); short protein forms G1317fs, G1318fs.
Identifiers: ClinVar variation 3774966 (VCV003774966.1).

ClinVar aggregate classification (germline): Likely pathogenic (1 of 4 stars; one submission).

Submission:

GeneDx
Classification: Likely pathogenic. Last evaluated: 2024-09-26. Review status: criteria provided, single submitter. Criteria: GeneDx Variant Classification Process June 2021. Collection method: clinical testing. Allele origin: germline. Affected: yes.
Comment: Frameshift variant predicted to result in protein truncation or nonsense mediated decay in a gene for which loss of function is a known mechanism of disease; Not observed at significant frequency in large population cohorts (gnomAD); Has not been previously published as pathogenic or benign to our knowledge